The following is an entry in ClinVar:

ClinVar aggregate classification (germline): Pathogenic (1 of 4 stars; one submission).

Conditions:
Rare genetic deafness. Identifiers: Orphanet 96210, MedGen C5680250.

Allele frequency attached by ClinVar (database versions not stated): gnomAD exomes below 0.00001.
gnomAD v4.1: 2 of 1,613,988 alleles (0.00012%); highest among the groups gnomAD compares: Admixed American, 0.0017%; no homozygotes.

Submission:

Laboratory for Molecular Medicine, Mass General Brigham Personalized Medicine
Classification: Pathogenic for Rare genetic deafness. Last evaluated: 2011-09-25. Review status: criteria provided, single submitter. Criteria: LMM Criteria. Collection method: clinical testing. Allele origin: germline. Inheritance: Autosomal recessive inheritance. Observed: 1 variant allele.
Comment: The Gln1210X variant in CDH23 has not been reported in the literature nor previo usly identified by our laboratory. This variant leads to a premature stop codon at position 1210, which is predicted to lead to a truncated or absent protein. T herefore, this variant meets our criteria to be classified as pathogenic.

NM_022124.6(CDH23):c.3628C>T (p.Gln1210Ter)

Genes: C10orf105 (chromosome 10 open reading frame 105; minus strand), CDH23 (cadherin related 23; plus strand). Cytogenetic location: 10q22.1.
Variant type: single nucleotide variant.
Coding change: c.3628C>T on transcript NM_022124.6 (MANE Select); coding-DNA position 3628, C replaced by T.
Protein change: p.Gln1210Ter; replaces glutamine 1210 with a stop codon.
Molecular consequence: nonsense. On other transcripts: intron variant (1).
Genome position (GRCh38, 1-based): chr10:71,730,517, C>T. VCF-style: chr10-71730517-C-T. GRCh37 (hg19) VCF-style: chr10-73490274-C-T.
Other names: c.3628C>T, p.Gln1210Ter (NM_001171930.2); c.-6+7211G>A (NM_001168390.2); short protein forms Q1210*.
Identifiers: ClinVar variation 45926 (VCV000045926.5), dbSNP rs397517326, ClinGen allele CA261778.